The following is an entry in ClinVar:

NM_005859.5(PURA):c.2T>C (p.Met1Thr)

Gene: PURA (purine rich element binding protein A; plus strand). Cytogenetic location: 5q31.3.
Variant type: single nucleotide variant.
Coding change: c.2T>C on transcript NM_005859.5 (MANE Select); coding-DNA position 2, T replaced by C.
Protein change: p.Met1Thr; changes the start codon (methionine 1).
Molecular consequence: missense variant, initiator codon variant.
Genome position (GRCh38, 1-based): chr5:140,114,183, T>C. VCF-style: chr5-140114183-T-C. GRCh37 (hg19) VCF-style: chr5-139493768-T-C.
Other names: short protein forms M1T.
Identifiers: ClinVar variation 2807849 (VCV002807849.4), dbSNP rs2479503492, ClinGen allele CA361488928.

ClinVar aggregate classification (germline): Pathogenic. Review status: criteria provided, multiple submitters, no conflicts (2 of 4 stars). 2 submissions from 2 submitters: Pathogenic (2). Last evaluated 2026-04-25.

Conditions:
PURA-related severe neonatal hypotonia-seizures-encephalopathy syndrome (NEDRIHF). Also called: NEURODEVELOPMENTAL DISORDER WITH NEONATAL RESPIRATORY INSUFFICIENCY, HYPOTONIA, AND FEEDING DIFFICULTIES; PURA-Related Neurodevelopmental Disorders. Identifiers: Orphanet 438213, Orphanet 438216, MedGen C4015357, MONDO:1060108, OMIM 616158, MONDO:0018580.

Submissions (2):

GeneDx
Classification: Pathogenic. Last evaluated: 2026-04-25. Review status: criteria provided, single submitter. Criteria: GeneDx Variant Classification Process June 2021. Collection method: clinical testing. Allele origin: germline.
Comment: Initiation codon variant in a gene for which loss of function is a known mechanism of disease; Not observed at significant frequency in large population cohorts (gnomAD); Has not been previously published as pathogenic or benign to our knowledge

Labcorp Genetics (formerly Invitae), Labcorp
Classification: Pathogenic for PURA-related severe neonatal hypotonia-seizures-encephalopathy syndrome. Last evaluated: 2022-10-07. Review status: criteria provided, single submitter. Criteria: Invitae Variant Classification Sherloc (09022015). Collection method: clinical testing. Allele origin: germline.
Comment: For these reasons, this variant has been classified as Pathogenic. Disruption of the initiator codon has been observed in individual(s) with clinical features of PURA syndrome (PMID: 27148565, 32337850). In at least one individual the variant was observed to be de novo. This variant is not present in population databases (gnomAD no frequency). This sequence change affects the initiator methionine of the PURA mRNA. The next in-frame methionine is located at codon 104.

Literature cited by the submitters: PubMed 27148565 (cited by Labcorp Genetics (formerly Invitae), Labcorp); PubMed 32337850 (cited by Labcorp Genetics (formerly Invitae), Labcorp).